The following is an entry in ClinVar:

NM_007294.4(BRCA1):c.485T>G (p.Val162Gly)

Gene: BRCA1 (BRCA1 DNA repair associated; minus strand). Cytogenetic location: 17q21.31.
Variant type: single nucleotide variant.
Coding change: c.485T>G on transcript NM_007294.4 (MANE Select); coding-DNA position 485, T replaced by G.
Protein change: p.Val162Gly; replaces valine 162 with glycine.
Molecular consequence: missense variant. On other transcripts: non-coding transcript variant (1).
Genome position (GRCh38, 1-based): chr17:43,099,837, A>C on the plus strand (T>G on the coding strand, the complement: BRCA1 is on the minus strand). VCF-style: chr17-43099837-A-C. GRCh37 (hg19) VCF-style: chr17-41251854-A-C.
Other names: c.344T>G, p.Val115Gly (NM_001407730.1, NM_001407731.1, NM_001407732.1 and 61 more transcripts); c.341T>G, p.Val114Gly (NM_001407740.1, NM_001407741.1, NM_001407742.1 and 35 more transcripts); c.272T>G, p.Val91Gly (NM_001407853.1, NM_001407894.1, NM_001407895.1 and 18 more transcripts); c.485T>G, p.Val162Gly (NM_001407854.1, NM_001407858.1, NM_001407859.1 and 97 more transcripts); c.482T>G, p.Val161Gly (NM_001407860.1, NM_001407861.1, NM_001407940.1 and 65 more transcripts); c.407T>G, p.Val136Gly (NM_001407862.1, NM_001408409.1, NM_001408411.1 and 12 more transcripts); c.404T>G, p.Val135Gly (NM_001407874.1, NM_001407875.1, NM_001408413.1 and 6 more transcripts); c.275T>G, p.Val92Gly (NM_001407879.1, NM_001407881.1, NM_001407882.1 and 37 more transcripts); and 4 more; short protein forms V162G, V115G, V117G, V34G, V92G, V135G, V136G, V159G.
Identifiers: ClinVar variation 648393 (VCV000648393.11), dbSNP rs1597888003, ClinGen allele CA10601169.
Genomic context (GRCh38, chr17:43,099,837, plus strand): 5'-AATTCAATGTAGACAGACGTCTTTTGAGGTTGTATCCGCTGCTTTGTCCTCAGAGTTCTC[A>C]CAGTTCCAAGGTTAGAGAGTTGGACACTGAGACTGGTTTCCTGCTAAACAGTATGGTAAA-3'
Protein context (NP_009225.1, residues 152-172): LSVQLSNLGT[Val162Gly]RTLRTKQRIQ

ClinVar aggregate classification (germline): Uncertain significance. Review status: criteria provided, multiple submitters, no conflicts (2 of 4 stars). 2 submissions from 2 submitters: Uncertain significance (2). Last evaluated 2024-05-22.

Conditions:
Hereditary breast ovarian cancer syndrome. Also called: Hereditary breast and ovarian cancer syndrome (HBOC); Hereditary breast and ovarian cancer; BRCA1- and BRCA2-Associated Hereditary Breast and Ovarian Cancer; Breast and ovarian cancer; Hereditary breast and ovarian cancer syndrome; Hereditary breast and/or ovarian cancer syndrome. Identifiers: Orphanet 145, MedGen C0677776, MeSH D061325, MONDO:0003582. Disease mechanism: loss of function.
Breast-ovarian cancer, familial, susceptibility to, 1 (BROVCA1). Also called: OVARIAN CANCER, SUSCEPTIBILITY TO; BRCA1 Hereditary Breast and Ovarian Cancer. Identifiers: Orphanet 145, MedGen C2676676, MONDO:0011450, OMIM 604370. Disease mechanism: loss of function.
Familial cancer of breast. Also called: BREAST CANCER, FAMILIAL; hereditary breast carcinoma; Hereditary breast cancer. Identifiers: Orphanet 227535, MedGen C0346153, MONDO:0016419, OMIM 114480. Disease mechanism: loss of function.
Fanconi anemia, complementation group S (FANCS). Identifiers: MedGen C4554406, MONDO:0054748, OMIM 617883.

Submissions (2):

Labcorp Genetics (formerly Invitae), Labcorp
Classification: Uncertain significance for Hereditary breast ovarian cancer syndrome. Last evaluated: 2024-05-22. Review status: criteria provided, single submitter. Criteria: Invitae Variant Classification Sherloc (09022015). Collection method: clinical testing. Allele origin: germline.
Comment: This sequence change replaces valine, which is neutral and non-polar, with glycine, which is neutral and non-polar, at codon 162 of the BRCA1 protein (p.Val162Gly). This variant is not present in population databases (gnomAD no frequency). This variant has not been reported in the literature in individuals affected with BRCA1-related conditions. ClinVar contains an entry for this variant (Variation ID: 648393). Advanced modeling of protein sequence and biophysical properties (such as structural, functional, and spatial information, amino acid conservation, physicochemical variation, residue mobility, and thermodynamic stability) performed at Invitae indicates that this missense variant is not expected to disrupt BRCA1 protein function with a negative predictive value of 95%. In summary, the available evidence is currently insufficient to determine the role of this variant in disease. Therefore, it has been classified as a Variant of Uncertain Significance.

Department of Pathology and Laboratory Medicine, Sinai Health System
Classification: Uncertain significance for Familial cancer of breast; Breast-ovarian cancer, familial, susceptibility to, 1; Fanconi anemia, complementation group S. Last evaluated: 2021-02-16. Review status: criteria provided, single submitter. Criteria: ACMG Guidelines, 2015. Collection method: clinical testing. Allele origin: germline. Affected: yes.